The following is an entry in ClinVar:

NM_001312673.2(PCYT1A):c.299A>G (p.Lys100Arg)

Gene: PCYT1A (phosphate cytidylyltransferase 1A, choline; minus strand). Cytogenetic location: 3q29.
Variant type: single nucleotide variant.
Coding change: c.299A>G on transcript NM_001312673.2 (MANE Select); coding-DNA position 299, A replaced by G.
Protein change: p.Lys100Arg; replaces lysine 100 with arginine.
Molecular consequence: missense variant.
Genome position (GRCh38, 1-based): chr3:196,248,242, T>C on the plus strand (A>G on the coding strand, the complement: PCYT1A is on the minus strand). VCF-style: chr3-196248242-T-C. GRCh37 (hg19) VCF-style: chr3-195975113-T-C.
Other names: c.299A>G, p.Lys100Arg (NM_005017.4); short protein forms K100R.
Identifiers: ClinVar variation 1042458 (VCV001042458.5), dbSNP rs1724631159, ClinGen allele CA355588088.

ClinVar aggregate classification (germline): Uncertain significance (1 of 4 stars; one submission).

Allele frequency attached by ClinVar (database versions not stated): gnomAD exomes below 0.00001.
gnomAD v4.1: 1 of 1,612,604 alleles (0.000062%); highest among the groups gnomAD compares: Non-Finnish European, 0.000085%; no homozygotes.

Submission:

Labcorp Genetics (formerly Invitae), Labcorp
Classification: Uncertain significance. Last evaluated: 2020-07-20. Review status: criteria provided, single submitter. Criteria: Invitae Variant Classification Sherloc (09022015). Collection method: clinical testing. Allele origin: germline.
Comment: In summary, the available evidence is currently insufficient to determine the role of this variant in disease. Therefore, it has been classified as a Variant of Uncertain Significance. This sequence change replaces lysine with arginine at codon 100 of the PCYT1A protein (p.Lys100Arg). The lysine residue is highly conserved and there is a small physicochemical difference between lysine and arginine. This variant is not present in population databases (ExAC no frequency). This variant has not been reported in the literature in individuals with PCYT1A-related conditions. Advanced modeling of protein sequence and biophysical properties (such as structural, functional, and spatial information, amino acid conservation, physicochemical variation, residue mobility, and thermodynamic stability) performed at Invitae indicates that this missense variant is expected to disrupt PCYT1A protein function.